The following is an entry in ClinVar:

NM_001005242.3(PKP2):c.2192T>C (p.Val731Ala)

Gene: PKP2 (plakophilin 2; minus strand). Cytogenetic location: 12p11.21.
Variant type: single nucleotide variant.
Coding change: c.2192T>C on transcript NM_001005242.3 (MANE Select); coding-DNA position 2192, T replaced by C.
Protein change: p.Val731Ala; replaces valine 731 with alanine.
Molecular consequence: missense variant.
Genome position (GRCh38, 1-based): chr12:32,796,274, A>G on the plus strand (T>C on the coding strand, the complement: PKP2 is on the minus strand). VCF-style: chr12-32796274-A-G. GRCh37 (hg19) VCF-style: chr12-32949208-A-G.
Other names: c.2324T>C, p.Val775Ala (NM_004572.4); short protein forms V775A, V731A.
Identifiers: ClinVar variation 3071894 (VCV003071894.1), dbSNP rs794729131, ClinGen allele CA011911.

ClinVar aggregate classification (germline): Uncertain significance (1 of 4 stars; one submission).

Conditions:
Arrhythmogenic right ventricular cardiomyopathy (ARVD). Also called: Arrhythmogenic right ventricular dysplasia; Cardiomyopathy, ARVC; Arrhythmogenic cardiomyopathy; Arrhythmogenic Right Ventricular Cardiomyopathy (ARVC). Identifiers: Orphanet 247, MedGen C0349788, MeSH D019571, MONDO:0016587. Disease mechanism: loss of function. Inheritance: Various modes of inheritance.

Allele frequency attached by ClinVar (database versions not stated): gnomAD exomes below 0.00001.
gnomAD v4.1: 3 of 1,613,612 alleles (0.00019%); highest among the groups gnomAD compares: Admixed American, 0.0017%; no homozygotes.

Submission:

All of Us Research Program, National Institutes of Health
Classification: Uncertain significance for Arrhythmogenic right ventricular cardiomyopathy. Last evaluated: 2023-10-06. Review status: criteria provided, single submitter. Criteria: ACMG Guidelines, 2015. Collection method: clinical testing. Allele origin: germline. Inheritance: Autosomal dominant inheritance. Observed: 1 variant allele, 1 heterozygote.
Comment: This missense variant replaces valine with alanine at codon 775 of the PKP2 protein. Computational prediction suggests that this variant may not impact protein structure and function (internally defined REVEL score threshold <= 0.5, PMID: 27666373). To our knowledge, functional studies have not been reported for this variant. This variant has not been reported in individuals affected with PKP2-related disorders in the literature. This variant has been identified in 1/251282 chromosomes in the general population by the Genome Aggregation Database (gnomAD). The available evidence is insufficient to determine the role of this variant in disease conclusively. Therefore, this variant is classified as a Variant of Uncertain Significance.

This study involves interpretation of variants in research participants for the purpose of population health screening. Participant phenotype was not available at the time of variant classification. Additional details can be found in publication PMID: 35346344, PMCID: PMC8962531